The following is an entry in ClinVar:

NM_006164.5(NFE2L2):c.1314A>C (p.Lys438Asn)

Gene: NFE2L2 (NFE2 like bZIP transcription factor 2; minus strand). Cytogenetic location: 2q31.2.
Variant type: single nucleotide variant.
Coding change: c.1314A>C on transcript NM_006164.5 (MANE Select); coding-DNA position 1314, A replaced by C.
Protein change: p.Lys438Asn; replaces lysine 438 with asparagine.
Molecular consequence: missense variant.
Genome position (GRCh38, 1-based): chr2:177,231,289, T>G on the plus strand (A>C on the coding strand, the complement: NFE2L2 is on the minus strand). VCF-style: chr2-177231289-T-G. GRCh37 (hg19) VCF-style: chr2-178096017-T-G.
Other names: c.1266A>C, p.Lys422Asn (NM_001145412.3, NM_001313900.1, NM_001313901.1); c.1245A>C, p.Lys415Asn (NM_001145413.3); c.1224A>C, p.Lys408Asn (NM_001313902.2); c.1095A>C, p.Lys365Asn (NM_001313903.2); c.1014A>C, p.Lys338Asn (NM_001313904.1); short protein forms K338N, K365N, K408N, K415N, K438N, K422N.
Identifiers: ClinVar variation 971410 (VCV000971410.10), dbSNP rs1689538130, ClinGen allele CA349370976.

ClinVar aggregate classification (germline): Uncertain significance (1 of 4 stars; one submission).

Submission:

Labcorp Genetics (formerly Invitae), Labcorp
Classification: Uncertain significance. Last evaluated: 2019-11-14. Review status: criteria provided, single submitter. Criteria: Invitae Variant Classification Sherloc (09022015). Collection method: clinical testing. Allele origin: germline.
Comment: This variant has not been reported in the literature in individuals with NFE2L2-related conditions. Algorithms developed to predict the effect of missense changes on protein structure and function (SIFT, PolyPhen-2, Align-GVGD) all suggest that this variant is likely to be tolerated, but these predictions have not been confirmed by published functional studies and their clinical significance is uncertain. In summary, the available evidence is currently insufficient to determine the role of this variant in disease. Therefore, it has been classified as a Variant of Uncertain Significance. This variant is not present in population databases (ExAC no frequency). This sequence change replaces lysine with asparagine at codon 438 of the NFE2L2 protein (p.Lys438Asn). The lysine residue is moderately conserved and there is a moderate physicochemical difference between lysine and asparagine.